The following is an entry in ClinVar:

ClinVar aggregate classification (germline): Uncertain significance. Review status: criteria provided, multiple submitters, no conflicts (2 of 4 stars). 2 submissions from 2 submitters: Uncertain significance (2). Last evaluated 2026-05-13.

Conditions:
PEX1-related disorder. Also called: PEX1-related condition.
Zellweger spectrum disorders (ZS). Also called: Zellweger Spectrum Disorder (ZSD); Zellweger Spectrum Disorder; Zellweger Spectrum; Zellweger syndrome. Identifiers: Orphanet 912, MedGen C0043459, MONDO:0019609.

Allele frequency attached by ClinVar (database versions not stated): gnomAD 0.00001; TOPMed 0.00001.
gnomAD v4.1: 1 of 1,613,612 alleles (0.000062%); highest among the groups gnomAD compares: African/African-American, 0.0013%; no homozygotes.

Submissions (2):

PreventionGenetics, part of Exact Sciences
Classification: Uncertain significance for PEX1-related condition. Last evaluated: 2026-05-13. Review status: criteria provided, single submitter. Criteria: ACMG Guidelines, 2015. Collection method: clinical testing. Allele origin: germline.
Comment: The PEX1 c.2174C>T variant is predicted to result in the amino acid substitution p.Ala725Val. To our knowledge, this variant has not been reported in the literature or in a large population database (gnomAD), indicating this variant is rare. At this time, the clinical significance of this variant is uncertain due to the absence of conclusive functional and genetic evidence.

Labcorp Genetics (formerly Invitae), Labcorp
Classification: Uncertain significance for Zellweger spectrum disorders. Last evaluated: 2021-09-21. Review status: criteria provided, single submitter. Criteria: Invitae Variant Classification Sherloc (09022015). Collection method: clinical testing. Allele origin: germline.
Comment: This variant has not been reported in the literature in individuals affected with PEX1-related conditions. In summary, the available evidence is currently insufficient to determine the role of this variant in disease. Therefore, it has been classified as a Variant of Uncertain Significance. Advanced modeling of protein sequence and biophysical properties (such as structural, functional, and spatial information, amino acid conservation, physicochemical variation, residue mobility, and thermodynamic stability) performed at Invitae indicates that this missense variant is not expected to disrupt PEX1 protein function. This variant is not present in population databases (ExAC no frequency). This sequence change replaces alanine with valine at codon 725 of the PEX1 protein (p.Ala725Val). The alanine residue is moderately conserved and there is a small physicochemical difference between alanine and valine.

NM_000466.3(PEX1):c.2174C>T (p.Ala725Val)

Gene: PEX1 (peroxisomal biogenesis factor 1; minus strand). Cytogenetic location: 7q21.2.
Variant type: single nucleotide variant.
Coding change: c.2174C>T on transcript NM_000466.3 (MANE Select); coding-DNA position 2174, C replaced by T.
Protein change: p.Ala725Val; replaces alanine 725 with valine.
Molecular consequence: missense variant.
Genome position (GRCh38, 1-based): chr7:92,503,093, G>A on the plus strand (C>T on the coding strand, the complement: PEX1 is on the minus strand). VCF-style: chr7-92503093-G-A. GRCh37 (hg19) VCF-style: chr7-92132407-G-A.
Other names: c.2174C>T (NM_000466.2); c.2003C>T, p.Ala668Val (NM_001282677.2); c.1550C>T, p.Ala517Val (NM_001282678.2); short protein forms A668V, A725V, A517V.
Identifiers: ClinVar variation 1492121 (VCV001492121.7), dbSNP rs1268325040, ClinGen allele CA368181514.